The following is an entry in ClinVar:

NM_003579.4(RAD54L):c.2190C>T (p.Ala730=)

Genes: RAD54L (RAD54 like; plus strand), LRRC41 (leucine rich repeat containing 41; minus strand). Cytogenetic location: 1p34.1.
Variant type: single nucleotide variant.
Coding change: c.2190C>T on transcript NM_003579.4 (MANE Select); coding-DNA position 2190, C replaced by T.
Protein change: p.Ala730=; no amino-acid change (alanine 730 retained).
Molecular consequence: synonymous variant. On other transcripts: 3 prime UTR variant (1).
Genome position (GRCh38, 1-based): chr1:46,278,228, C>T. VCF-style: chr1-46278228-C-T. GRCh37 (hg19) VCF-style: chr1-46743900-C-T.
Other names: NP_003570.2:p.Ala730=; c.*637G>A (NM_006369.5); c.2190C>T, p.Ala730= (NM_001142548.2); c.1650C>T, p.Ala550= (NM_001370766.1); c.2190C>T (NM_003579.3).
Identifiers: ClinVar variation 1678943 (VCV001678943.6), dbSNP rs1048771, ClinGen allele CA834833.
Genomic context (GRCh38, chr1:46,278,228, plus strand): 5'-TGATAAGTGGGGGCTCCGGGATGAGGTACTCCAGGCTGCCTGGGATGCTGCCTCCACTGC[C>T]ATCACCTTCGTCTTCCACCAGCGTTCTCATGAGGAGCAGCGGGGCCTCCGCTGATAACCA-3'
Protein context (NP_003570.2, residues 720-740): LQAAWDAAST[Ala730=]ITFVFHQRSH

ClinVar aggregate classification (germline): Benign. Review status: criteria provided, multiple submitters, no conflicts (2 of 4 stars). 4 submissions from 4 submitters: Benign (3). 1 of the submissions does not count toward it. Last evaluated 2022-04-19.

Conditions:
Hereditary breast ovarian cancer syndrome. Also called: Hereditary breast and ovarian cancer syndrome; BRCA1- and BRCA2-Associated Hereditary Breast and Ovarian Cancer; Hereditary breast and ovarian cancer syndrome (HBOC); Hereditary breast and/or ovarian cancer syndrome; Breast and ovarian cancer; Hereditary breast and ovarian cancer. Identifiers: Orphanet 145, MedGen C0677776, MeSH D061325, MONDO:0003582. Disease mechanism: loss of function.
RAD54L-related disorder. Also called: RAD54L-related condition.

Allele frequency attached by ClinVar (database versions not stated): ESP Exome Variant Server 0.09496; gnomAD 0.09534 and 0.10734; TOPMed 0.10102; 1000 Genomes Project 30x 0.18379; 1000 Genomes Project 0.18570.
gnomAD v4.1: 209,902 of 1,613,356 alleles (13%); highest among the groups gnomAD compares: South Asian, 37%; 17,922 homozygotes.

Submissions (4):

National Health Laboratory Service, Universitas Academic Hospital and University of the Free State
Classification: Benign for Hereditary breast ovarian cancer syndrome. Last evaluated: 2022-04-19. Review status: criteria provided, single submitter. Criteria: ACMG Guidelines, 2015. Collection method: clinical testing. Allele origin: germline. Affected: yes. Observed: 44 variant alleles.

Ambry Genetics
Classification: Benign. Last evaluated: 2019-10-22. Review status: criteria provided, single submitter. Criteria: Ambry Variant Classification Scheme 2023. Collection method: clinical testing. Allele origin: germline.

Breakthrough Genomics
Classification: Benign. Review status: criteria provided, single submitter. Criteria: ACMG Guidelines, 2015. Collection method: not provided. Allele origin: germline. Inheritance: Autosomal dominant inheritance. Affected: yes.

PreventionGenetics, part of Exact Sciences
Classification: Benign for RAD54L-related condition. Last evaluated: 2019-10-21. Review status: no assertion criteria provided. Collection method: clinical testing. Allele origin: germline. Not counted in ClinVar's aggregate classification.
Comment: This variant is classified as benign based on ACMG/AMP sequence variant interpretation guidelines (Richards et al. 2015 PMID: 25741868, with internal and published modifications).